The following is an entry in ClinVar:

ClinVar aggregate classification (germline): Uncertain significance. Review status: criteria provided, multiple submitters, no conflicts (2 of 4 stars). 6 submissions from 6 submitters: Uncertain significance (6). Last evaluated 2026-06-09.

Conditions:
COL3A1-related disorder. Also called: COL3A1-related condition.
Ehlers-Danlos syndrome, type 4 (EDSVASC). Also called: Ehlers-Danlos syndrome vascular type; Ehlers Danlos syndrome, ecchymotic type; Ehlers Danlos syndrome, arterial type; Ehlers Danlos syndrome, Sack-Barabas type; Ehlers-Danlos Syndrome Type IV. Identifiers: Orphanet 286, MedGen C0268338, MONDO:0017314, OMIM 130050.
Familial thoracic aortic aneurysm and aortic dissection (TAAD). Also called: Thoracic aortic aneurysms and dissections. Identifiers: Orphanet 91387, MedGen C4707243, MONDO:0019625.

Allele frequency attached by ClinVar (database versions not stated): ExAC below 0.00001; gnomAD 0.00001; gnomAD exomes 0.00001; TOPMed 0.00001.
gnomAD v4.1: 13 of 1,553,536 alleles (0.00084%); highest among the groups gnomAD compares: Middle Eastern, 0.017%; no homozygotes.

Submissions (6):

Ambry Genetics
Classification: Uncertain significance for Familial thoracic aortic aneurysm and aortic dissection. Last evaluated: 2026-06-09. Review status: criteria provided, single submitter. Criteria: Ambry Variant Classification Scheme 2023. Collection method: clinical testing. Allele origin: germline.
Comment: The p.P505S variant (also known as c.1513C>T), located in coding exon 22 of the COL3A1 gene, results from a C to T substitution at nucleotide position 1513. The proline at codon 505 is replaced by serine, an amino acid with similar properties. This amino acid position is conserved. In addition, this alteration is predicted to be tolerated by in silico analysis. Based on the available evidence, the clinical significance of this variant remains unclear.

Labcorp Genetics (formerly Invitae), Labcorp
Classification: Uncertain significance for Ehlers-Danlos syndrome, type 4. Last evaluated: 2024-04-25. Review status: criteria provided, single submitter. Criteria: Invitae Variant Classification Sherloc (09022015). Collection method: clinical testing. Allele origin: germline.
Comment: This sequence change replaces proline, which is neutral and non-polar, with serine, which is neutral and polar, at codon 505 of the COL3A1 protein (p.Pro505Ser). This variant is present in population databases (rs776430998, gnomAD 0.003%). This variant has not been reported in the literature in individuals affected with COL3A1-related conditions. ClinVar contains an entry for this variant (Variation ID: 925292). Advanced modeling of protein sequence and biophysical properties (such as structural, functional, and spatial information, amino acid conservation, physicochemical variation, residue mobility, and thermodynamic stability) performed at Invitae indicates that this missense variant is not expected to disrupt COL3A1 protein function with a negative predictive value of 95%. In summary, the available evidence is currently insufficient to determine the role of this variant in disease. Therefore, it has been classified as a Variant of Uncertain Significance.

All of Us Research Program, National Institutes of Health
Classification: Uncertain significance for Ehlers-Danlos syndrome, type 4. Last evaluated: 2023-11-20. Review status: criteria provided, single submitter. Criteria: ACMG Guidelines, 2015. Collection method: clinical testing. Allele origin: germline. Inheritance: Autosomal dominant inheritance. Observed: 2 variant alleles, 2 heterozygotes.
Comment: This missense variant replaces proline with serine at codon 505 of the COL3A1 protein. Computational prediction suggests that this variant may not impact protein structure and function (internally defined REVEL score threshold <= 0.5, PMID: 27666373). To our knowledge, functional studies have not been reported for this variant. This variant has not been reported in individuals affected with COL3A1-related disorders in the literature. This variant has been identified in 2/159602 chromosomes in the general population by the Genome Aggregation Database (gnomAD). The available evidence is insufficient to determine the role of this variant in disease conclusively. Therefore, this variant is classified as a Variant of Uncertain Significance.

This study involves interpretation of variants in research participants for the purpose of population health screening. Participant phenotype was not available at the time of variant classification. Additional details can be found in publication PMID: 35346344, PMCID: PMC8962531

Color Diagnostics, LLC DBA Color Health
Classification: Uncertain significance for Familial thoracic aortic aneurysm and aortic dissection. Last evaluated: 2023-11-01. Review status: criteria provided, single submitter. Criteria: ACMG Guidelines, 2015. Collection method: clinical testing. Allele origin: germline.
Comment: This missense variant replaces proline with serine at codon 505 of the COL3A1 protein. Computational prediction suggests that this variant may not impact protein structure and function (internally defined REVEL score threshold <= 0.5, PMID: 27666373). To our knowledge, functional studies have not been reported for this variant. This variant has not been reported in individuals affected with COL3A1-related disorders in the literature. This variant has been identified in 2/159602 chromosomes in the general population by the Genome Aggregation Database (gnomAD). The available evidence is insufficient to determine the role of this variant in disease conclusively. Therefore, this variant is classified as a Variant of Uncertain Significance.

Blueprint Genetics
Classification: Uncertain significance. Last evaluated: 2023-07-07. Review status: criteria provided, single submitter. Criteria: ACMG Guidelines, 2015. Collection method: clinical testing. Allele origin: germline.

PreventionGenetics, part of Exact Sciences
Classification: Uncertain significance for COL3A1-related condition. Last evaluated: 2023-04-18. Review status: criteria provided, single submitter. Criteria: ACMG Guidelines, 2015. Collection method: clinical testing. Allele origin: germline.
Comment: The COL3A1 c.1513C>T variant is predicted to result in the amino acid substitution p.Pro505Ser. To our knowledge, this variant has not been reported in the literature. This variant is reported in 0.0032% of alleles in individuals of European (Non-Finnish) descent in gnomAD. At this time, the clinical significance of this variant is uncertain due to the absence of conclusive functional and genetic evidence.

NM_000090.4(COL3A1):c.1513C>T (p.Pro505Ser)

Gene: COL3A1 (collagen type III alpha 1 chain; plus strand). Cytogenetic location: 2q32.2.
Variant type: single nucleotide variant.
Coding change: c.1513C>T on transcript NM_000090.4 (MANE Select); coding-DNA position 1513, C replaced by T.
Protein change: p.Pro505Ser; replaces proline 505 with serine.
Molecular consequence: missense variant.
Genome position (GRCh38, 1-based): chr2:188,995,695, C>T. VCF-style: chr2-188995695-C-T. GRCh37 (hg19) VCF-style: chr2-189860421-C-T.
Other names: short protein forms P505S.
Identifiers: ClinVar variation 925292 (VCV000925292.9), dbSNP rs776430998, ClinGen allele CA074441.